The following is an entry in ClinVar:

ClinVar aggregate classification (germline): Uncertain significance (1 of 4 stars; one submission).

gnomAD v4.1: 6 of 1,606,428 alleles (0.00037%); highest among the groups gnomAD compares: Non-Finnish European, 0.00051%; no homozygotes.

Submission:

Ambry Genetics
Classification: Uncertain significance. Last evaluated: 2025-02-14. Review status: criteria provided, single submitter. Criteria: Ambry Variant Classification Scheme 2023. Collection method: clinical testing. Allele origin: germline.
Comment: The p.P1053R variant (also known as c.3158C>G), located in coding exon 12 of the WNK2 gene, results from a C to G substitution at nucleotide position 3158. The proline at codon 1053 is replaced by arginine, an amino acid with dissimilar properties. This amino acid position is conserved. In addition, the in silico prediction for this alteration is inconclusive. Based on the available evidence, the clinical significance of this variant remains unclear.

NM_006648.4(WNK2):c.3158C>G (p.Pro1053Arg)

Gene: WNK2 (WNK lysine deficient protein kinase 2; plus strand). Cytogenetic location: 9q22.31.
Variant type: single nucleotide variant.
Coding change: c.3158C>G on transcript NM_006648.4 (MANE Select); coding-DNA position 3158, C replaced by G.
Protein change: p.Pro1053Arg; replaces proline 1053 with arginine.
Molecular consequence: missense variant.
Genome position (GRCh38, 1-based): chr9:93,261,905, C>G. VCF-style: chr9-93261905-C-G. GRCh37 (hg19) VCF-style: chr9-96024187-C-G.
Other names: c.3158C>G, p.Pro1053Arg (NM_001282394.3); short protein forms P1053R.
Identifiers: ClinVar variation 3817075 (VCV003817075.1).